The following is an entry in ClinVar:

NM_005476.7(GNE):c.722T>G (p.Ile241Ser)

Gene: GNE (glucosamine (UDP-N-acetyl)-2-epimerase/N-acetylmannosamine kinase; minus strand). Cytogenetic location: 9p13.3.
Variant type: single nucleotide variant.
Coding change: c.722T>G on transcript NM_005476.7 (MANE Select); coding-DNA position 722, T replaced by G.
Protein change: p.Ile241Ser; replaces isoleucine 241 with serine.
Molecular consequence: missense variant. On other transcripts: intron variant (2).
Genome position (GRCh38, 1-based): chr9:36,236,879, A>C on the plus strand (T>G on the coding strand, the complement: GNE is on the minus strand). VCF-style: chr9-36236879-A-C. GRCh37 (hg19) VCF-style: chr9-36236876-A-C.
Other names: c.815T>G, p.Ile272Ser (NM_001128227.3); c.722T>G, p.Ile241Ser (NM_001190383.3); c.545T>G, p.Ile182Ser (NM_001190388.2, NM_001374798.1); c.440-2747T>G (NM_001190384.3); c.617-2747T>G (NM_001374797.1); short protein forms I272S, I241S, I182S.
Identifiers: ClinVar variation 552257 (VCV000552257.16), dbSNP rs759945787, ClinGen allele CA5056674.
Genomic context (GRCh38, chr9:36,236,879, plus strand): 5'-CAAGTTCAATTACCTGCGTCAATATTTGGAAACAGGACTAGGGTCCGCTTGTTAAATGAG[A>C]TAAGTGCATCCAATGTTAATTCAAACATTTTTATGGAATGCTTAATGTCAGTGGTCACAG-3'
Protein context (NP_005467.1, residues 231-251): KMFELTLDAL[Ile241Ser]SFNKRTLVLF

ClinVar aggregate classification (germline): Conflicting classifications of pathogenicity. Review status: criteria provided, conflicting classifications (1 of 4 stars). 5 submissions from 5 submitters: Pathogenic (3); Uncertain significance (1). 1 of the submissions does not count toward it. Last evaluated 2024-11-13.

Conditions:
Sialuria. Also called: SIALURIA, FRENCH TYPE; Sialic Acid Storage Disease. Identifiers: Orphanet 3166, MedGen C0342853, MONDO:0010028, OMIM 269921.
GNE myopathy (NM). Also called: IBM 2; Inclusion body myopathy autosomal recessive; Inclusion body myopathy quadriceps sparing; NONAKA DISTAL MYOPATHY; INCLUSION BODY MYOPATHY, HEREDITARY, AUTOSOMAL RECESSIVE; INCLUSION BODY MYOPATHY 2, AUTOSOMAL RECESSIVE. Identifiers: Orphanet 602, MedGen C1853926, MONDO:0011603, OMIM 605820.

Allele frequency attached by ClinVar (database versions not stated): ExAC 0.00001; gnomAD 0.00001; gnomAD exomes 0.00001.
gnomAD v4.1: 3 of 1,613,530 alleles (0.00019%); highest among the groups gnomAD compares: East Asian, 0.0022%; no homozygotes.

Submissions (5):

Women's Health and Genetics/Laboratory Corporation of America, LabCorp
Classification: Pathogenic for GNE myopathy. Last evaluated: 2024-11-13. Review status: criteria provided, single submitter. Criteria: LabCorp Variant Classification Summary - May 2015. Collection method: clinical testing. Allele origin: germline.
Comment: Variant summary: GNE c.815T>G (p.Ile272Ser) results in a non-conservative amino acid change located in the UDP-N-acetylglucosamine 2-epimerase domain of the encoded protein sequence. Three of five in-silico tools predict a damaging effect of the variant on protein function. The variant allele was found at a frequency of 8e-06 in 251438 control chromosomes. c.815T>G has been reported in the literature in multiple individuals affected with GNE myopathy (example, Celeste_2014, Li_2011, Lv_2022). These data indicate that the variant is very likely to be associated with disease. To our knowledge, no experimental evidence demonstrating an impact on protein function has been reported. The following publications have been ascertained in the context of this evaluation (PMID: 24796702, 21307865, 35138478). ClinVar contains an entry for this variant (Variation ID: 552257). Based on the evidence outlined above, the variant was classified as pathogenic.

Natera, Inc.
Classification: Pathogenic for Nonaka myopathy. Last evaluated: 2024-10-06. Review status: criteria provided, single submitter. Criteria: Natera Variant Classification Schema (03/2026). Collection method: clinical testing. Allele origin: germline.
Comment: The c.815T>G variant in GNE is a missense variant predicted to cause substitution of isoleucine to serine at amino acid 272. This variant is rare in the general population with a frequency below the threshold expected for the associated phenotype(s). This variant has been observed in one or more individuals affected with the associated recessive disease, as either homozygous or compound heterozygous with a second variant (PMID: 15834044, 17098358, 32860282, 30390020). Additionally, this variant has been observed to segregate in affected family members (PMID: 15834044, 17098358). Given the available evidence, this variant is classified as Pathogenic.

Labcorp Genetics (formerly Invitae), Labcorp
Classification: Pathogenic for Sialuria; GNE myopathy. Last evaluated: 2024-01-25. Review status: criteria provided, single submitter. Criteria: Invitae Variant Classification Sherloc (09022015). Collection method: clinical testing. Allele origin: germline.
Comment: This sequence change replaces isoleucine, which is neutral and non-polar, with serine, which is neutral and polar, at codon 272 of the GNE protein (p.Ile272Ser). This variant is present in population databases (rs759945787, gnomAD 0.006%). This missense change has been observed in individual(s) with rimmed vacuolar distal myopathy (PMID: 15834044, 17098358). In at least one individual the data is consistent with being in trans (on the opposite chromosome) from a pathogenic variant. It has also been observed to segregate with disease in related individuals. This variant is also known as Ile241Ser. ClinVar contains an entry for this variant (Variation ID: 552257). Advanced modeling of protein sequence and biophysical properties (such as structural, functional, and spatial information, amino acid conservation, physicochemical variation, residue mobility, and thermodynamic stability) has been performed at Invitae for this missense variant, however the output from this modeling did not meet the statistical confidence thresholds required to predict the impact of this variant on GNE protein function. For these reasons, this variant has been classified as Pathogenic.

Eurofins Ntd Llc (ga)
Classification: Uncertain significance. Last evaluated: 2018-05-18. Review status: criteria provided, single submitter. Criteria: EGL ClinVar v180209 classification definitions. Collection method: clinical testing. Allele origin: germline. Observed: 1 variant allele, 1 heterozygote.

Counsyl
Classification: Likely pathogenic for GNE myopathy. Last evaluated: 2017-06-08. Review status: no assertion criteria provided. Collection method: clinical testing. Allele origin: unknown. Not counted in ClinVar's aggregate classification.

Literature cited by the submitters: PubMed 24796702 (cited by Women's Health and Genetics/Laboratory Corporation of America, LabCorp); PubMed 21307865 (cited by Women's Health and Genetics/Laboratory Corporation of America, LabCorp); PubMed 35138478 (cited by Women's Health and Genetics/Laboratory Corporation of America, LabCorp); PubMed 15834044 (cited by 3 submitters); PubMed 17098358 (cited by 3 submitters); PubMed 32860282 (cited by Natera, Inc.); PubMed 30390020 (cited by Natera, Inc.); PubMed 22196754 (cited by Counsyl).